The following is an entry in ClinVar:

NM_000535.7(PMS2):c.1223C>T (p.Thr408Ile)

Gene: PMS2 (PMS1 homolog 2, mismatch repair system component; minus strand). Cytogenetic location: 7p22.1.
Variant type: single nucleotide variant.
Coding change: c.1223C>T on transcript NM_000535.7 (MANE Select); coding-DNA position 1223, C replaced by T.
Protein change: p.Thr408Ile; replaces threonine 408 with isoleucine.
Molecular consequence: missense variant. On other transcripts: non-coding transcript variant (1).
Genome position (GRCh38, 1-based): chr7:5,987,542, G>A on the plus strand (C>T on the coding strand, the complement: PMS2 is on the minus strand). VCF-style: chr7-5987542-G-A. GRCh37 (hg19) VCF-style: chr7-6027173-G-A.
Other names: c.818C>T, p.Thr273Ile (NM_001322003.2, NM_001322004.2, NM_001322005.2 and 1 more transcripts); c.1067C>T, p.Thr356Ile (NM_001322006.2); c.905C>T, p.Thr302Ile (NM_001322007.2, NM_001322008.2); c.662C>T, p.Thr221Ile (NM_001322010.2); c.290C>T, p.Thr97Ile (NM_001322011.2, NM_001322012.2); c.650C>T, p.Thr217Ile (NM_001322013.2); c.1223C>T, p.Thr408Ile (NM_001322014.2); c.914C>T, p.Thr305Ile (NM_001322015.2); short protein forms T221I, T302I, T273I, T305I, T217I, T356I, T408I, T97I.
Identifiers: ClinVar variation 964960 (VCV000964960.14), dbSNP rs1347299632, ClinGen allele CA366742533.

ClinVar aggregate classification (germline): Conflicting classifications of pathogenicity. Review status: criteria provided, conflicting classifications (1 of 4 stars). 3 submissions from 3 submitters: Uncertain significance (2); Likely benign (1). Last evaluated 2025-06-03.

Conditions:
Hereditary nonpolyposis colorectal neoplasms. Identifiers: MedGen C0009405, MeSH D003123.
Hereditary cancer-predisposing syndrome. Also called: Tumor predisposition; Hereditary neoplastic syndrome; Hereditary Cancer Syndrome; Neoplastic Syndromes, Hereditary. Identifiers: Orphanet 140162, MedGen C0027672, MeSH D009386, MONDO:0015356.

Allele frequency attached by ClinVar (database versions not stated): TOPMed below 0.00001; gnomAD 0.00001.
gnomAD v4.1: 1 of 1,613,914 alleles (0.000062%); highest among the groups gnomAD compares: Non-Finnish European, 0.000085%; no homozygotes.

Submissions (3):

Color Diagnostics, LLC DBA Color Health
Classification: Uncertain significance for Hereditary cancer-predisposing syndrome. Last evaluated: 2025-06-03. Review status: criteria provided, single submitter. Criteria: ACMG Guidelines, 2015. Collection method: clinical testing. Allele origin: germline.
Comment: This missense variant replaces threonine with isoleucine at codon 408 of the PMS2 protein. Computational prediction suggests that this variant may not impact protein structure and function. To our knowledge, functional studies have not been reported for this variant. This variant has not been reported in individuals affected with PMS2-related disorders in the literature. This variant has not been identified in the general population by the Genome Aggregation Database (gnomAD). The available evidence is insufficient to determine the role of this variant in disease conclusively. Therefore, this variant is classified as a Variant of Uncertain Significance.

Labcorp Genetics (formerly Invitae), Labcorp
Classification: Uncertain significance for Hereditary nonpolyposis colorectal neoplasms. Last evaluated: 2025-04-23. Review status: criteria provided, single submitter. Criteria: Invitae Variant Classification Sherloc (09022015). Collection method: clinical testing. Allele origin: germline.
Comment: This sequence change replaces threonine, which is neutral and polar, with isoleucine, which is neutral and non-polar, at codon 408 of the PMS2 protein (p.Thr408Ile). This variant is not present in population databases (gnomAD no frequency). This variant has not been reported in the literature in individuals affected with PMS2-related conditions. ClinVar contains an entry for this variant (Variation ID: 964960). Invitae Evidence Modeling incorporating data from in vitro experimental studies (internal data) indicates that this missense variant is not expected to disrupt PMS2 function with a negative predictive value of 95%. In summary, the available evidence is currently insufficient to determine the role of this variant in disease. Therefore, it has been classified as a Variant of Uncertain Significance.

Ambry Genetics
Classification: Likely benign for Hereditary cancer-predisposing syndrome. Last evaluated: 2024-09-17. Review status: criteria provided, single submitter. Criteria: Ambry Variant Classification Scheme 2023. Collection method: clinical testing. Allele origin: germline.